The following is an entry in ClinVar:

ClinVar aggregate classification (germline): Pathogenic (1 of 4 stars; one submission).

Conditions:
Marfan syndrome (MFS). Also called: FBN1-Related Marfan Syndrome; MARFAN SYNDROME, TYPE I; Marfan syndrome type 1; Marfan's syndrome; Marfan syndrome, classic. Identifiers: Orphanet 284963, Orphanet 558, MedGen C0024796, MONDO:0007947, OMIM 154700.
Familial thoracic aortic aneurysm and aortic dissection (TAAD). Also called: Thoracic aortic aneurysms and dissections. Identifiers: Orphanet 91387, MedGen C4707243, MONDO:0019625.

Submission:

Labcorp Genetics (formerly Invitae), Labcorp
Classification: Pathogenic for Marfan syndrome; Familial thoracic aortic aneurysm and aortic dissection. Last evaluated: 2020-09-17. Review status: criteria provided, single submitter. Criteria: Invitae Variant Classification Sherloc (09022015). Collection method: clinical testing. Allele origin: germline.
Comment: For these reasons, this variant has been classified as Pathogenic. This variant affects a cysteine residue in the EGF-like, TGFBP or hybrid motif domains of FBN1. Cysteine residues are believed to be involved in intramolecular disulfide bridges and have been shown to be important for FBN1 protein structure (PMID: 16905551, 19349279). In addition, missense substitutions affecting cysteine residues within these domains are significantly overrepresented among patients with Marfan syndrome (PMID: 16571647, 17701892). This missense change has been observed in individual(s) with Marfan syndrome (PMID: 16835936, 18435798, 23653584, Invitae). It has also been observed to segregate with disease in related individuals. This variant is not present in population databases (ExAC no frequency). This sequence change replaces cysteine with tyrosine at codon 2470 of the FBN1 protein (p.Cys2470Tyr). The cysteine residue is highly conserved and there is a large physicochemical difference between cysteine and tyrosine.

Literature cited by the submitters: PubMed 16905551; PubMed 19349279; PubMed 16571647; PubMed 17701892; PubMed 16835936; PubMed 18435798; PubMed 23653584.

NM_000138.5(FBN1):c.7409_7410delinsAT (p.Cys2470Tyr)

Gene: FBN1 (fibrillin 1; minus strand). Cytogenetic location: 15q21.1.
Variant type: Indel.
Coding change: c.7409_7410delinsAT on transcript NM_000138.5 (MANE Select); coding-DNA positions 7409 to 7410, GC replaced by AT.
Protein change: p.Cys2470Tyr; replaces cysteine 2470 with tyrosine.
Molecular consequence: missense variant.
Genome position (GRCh38, 1-based): chr15:48,425,412-48,425,413, GC replaced by AT on the plus strand (GC replaced by AT on the coding strand, the reverse complement: FBN1 is on the minus strand). VCF-style: chr15-48425412-GC-AT. GRCh37 (hg19) VCF-style: chr15-48717609-GC-AT.
Other names: short protein forms C2470Y.
Identifiers: ClinVar variation 1068546 (VCV001068546.7), dbSNP rs2141226319, ClinGen allele CA2499222963.